The following is an entry in ClinVar:

NM_005045.4(RELN):c.1265A>G (p.Glu422Gly)

Gene: RELN (reelin; minus strand). Cytogenetic location: 7q22.1.
Variant type: single nucleotide variant.
Coding change: c.1265A>G on transcript NM_005045.4 (MANE Select); coding-DNA position 1265, A replaced by G.
Protein change: p.Glu422Gly; replaces glutamic acid 422 with glycine.
Molecular consequence: missense variant.
Genome position (GRCh38, 1-based): chr7:103,682,140, T>C on the plus strand (A>G on the coding strand, the complement: RELN is on the minus strand). VCF-style: chr7-103682140-T-C. GRCh37 (hg19) VCF-style: chr7-103322587-T-C.
Other names: c.1265A>G, p.Glu422Gly (NM_173054.3); short protein forms E422G.
Identifiers: ClinVar variation 2938963 (VCV002938963.3), dbSNP rs2484900519, ClinGen allele CA368926154.

ClinVar aggregate classification (germline): Uncertain significance (1 of 4 stars; one submission).

Conditions:
Norman-Roberts syndrome (LIS2). Also called: Lissencephaly 2 (Norman-Roberts type). Identifiers: Orphanet 89844, MedGen C0796089, MONDO:0009760, OMIM 257320.
Familial temporal lobe epilepsy 7. Identifiers: Orphanet 101046, MedGen C4225327, MONDO:0014639, OMIM 616436.

Allele frequency attached by ClinVar (database versions not stated): gnomAD exomes below 0.00001.
gnomAD v4.1: 1 of 1,614,010 alleles (0.000062%); highest among the groups gnomAD compares: Non-Finnish European, 0.000085%; no homozygotes.

Submission:

Labcorp Genetics (formerly Invitae), Labcorp
Classification: Uncertain significance for Familial temporal lobe epilepsy 7; Norman-Roberts syndrome. Last evaluated: 2024-09-24. Review status: criteria provided, single submitter. Criteria: Invitae Variant Classification Sherloc (09022015). Collection method: clinical testing. Allele origin: germline.
Comment: This sequence change replaces glutamic acid, which is acidic and polar, with glycine, which is neutral and non-polar, at codon 422 of the RELN protein (p.Glu422Gly). This variant is not present in population databases (gnomAD no frequency). This variant has not been reported in the literature in individuals affected with RELN-related conditions. Invitae Evidence Modeling of protein sequence and biophysical properties (such as structural, functional, and spatial information, amino acid conservation, physicochemical variation, residue mobility, and thermodynamic stability) indicates that this missense variant is not expected to disrupt RELN protein function with a negative predictive value of 80%. In summary, the available evidence is currently insufficient to determine the role of this variant in disease. Therefore, it has been classified as a Variant of Uncertain Significance.